The following is an entry in ClinVar:

ClinVar aggregate classification (germline): Pathogenic. Review status: reviewed by expert panel (3 of 4 stars). 15 submissions from 15 submitters: Pathogenic (1). 14 of the submissions do not count toward it. Last evaluated 2016-09-08.

Conditions:
Hereditary cancer-predisposing syndrome. Also called: Neoplastic Syndromes, Hereditary; Hereditary Cancer Syndrome; Hereditary neoplastic syndrome; Tumor predisposition. Identifiers: Orphanet 140162, MedGen C0027672, MeSH D009386, MONDO:0015356.
Hereditary breast ovarian cancer syndrome. Also called: Hereditary breast and ovarian cancer syndrome; Hereditary breast and/or ovarian cancer syndrome; BRCA1- and BRCA2-Associated Hereditary Breast and Ovarian Cancer; Hereditary breast and ovarian cancer; Breast and ovarian cancer; Hereditary breast and ovarian cancer syndrome (HBOC). Identifiers: Orphanet 145, MedGen C0677776, MeSH D061325, MONDO:0003582. Disease mechanism: loss of function.
Breast-ovarian cancer, familial, susceptibility to, 2 (BROVCA2). Also called: BRCA2 Hereditary Breast and Ovarian Cancer. Identifiers: Orphanet 145, MedGen C2675520, MONDO:0012933, OMIM 612555. Disease mechanism: loss of function.
Familial cancer of breast. Also called: Hereditary breast cancer; hereditary breast carcinoma; BREAST CANCER, FAMILIAL. Identifiers: Orphanet 227535, MedGen C0346153, MONDO:0016419, OMIM 114480. Disease mechanism: loss of function.
Malignant tumor of breast. Also called: Malignant breast neoplasm; Cancer breast. Identifiers: MedGen C0006142, MONDO:0007254. Disease mechanism: loss of function.

Allele frequency attached by ClinVar (database versions not stated): gnomAD exomes below 0.00001.
gnomAD v4.1: 1 of 1,613,782 alleles (0.000062%); highest among the groups gnomAD compares: East Asian, 0.0022%; no homozygotes.

Submissions 1 to 9 of 15:

Evidence-based Network for the Interpretation of Germline Mutant Alleles (ENIGMA)
Classification: Pathogenic for Breast-ovarian cancer, familial, susceptibility to, 2. Last evaluated: 2016-09-08. Review status: reviewed by expert panel. Criteria: ENIGMA BRCA1/2 Classification Criteria (2015). Collection method: curation. Allele origin: germline.
Comment: Variant allele predicted to encode a truncated non-functional protein.

Labcorp Genetics (formerly Invitae), Labcorp
Classification: Pathogenic for Hereditary breast ovarian cancer syndrome. Last evaluated: 2026-01-11. Review status: criteria provided, single submitter. Criteria: Invitae Variant Classification Sherloc (09022015). Collection method: clinical testing. Allele origin: germline. Not counted in ClinVar's aggregate classification.
Comment: This sequence change creates a premature translational stop signal (p.Ser780*) in the BRCA2 gene. It is expected to result in an absent or disrupted protein product. Loss-of-function variants in BRCA2 are known to be pathogenic (PMID: 20104584). This variant is present in population databases (rs587781471, gnomAD 0.006%). This premature translational stop signal has been observed in individual(s) with breast and/or ovarian cancer (PMID: 24010542, 27157322). ClinVar contains an entry for this variant (Variation ID: 141070). For these reasons, this variant has been classified as Pathogenic.

Ambry Genetics
Classification: Pathogenic for Hereditary cancer-predisposing syndrome. Last evaluated: 2025-02-26. Review status: criteria provided, single submitter. Criteria: Ambry Variant Classification Scheme 2023. Collection method: clinical testing. Allele origin: germline. Not counted in ClinVar's aggregate classification.
Comment: The p.S780* pathogenic mutation (also known as c.2339C>G), located in coding exon 10 of the BRCA2 gene, results from a C to G substitution at nucleotide position 2339. This changes the amino acid from a serine to a stop codon within coding exon 10. In addition to the clinical data presented in the literature, this alteration is expected to result in loss of function by premature protein truncation or nonsense-mediated mRNA decay. As such, this alteration is interpreted as a disease-causing mutation.

Women's Health and Genetics/Laboratory Corporation of America, LabCorp
Classification: Pathogenic for Hereditary breast ovarian cancer syndrome. Last evaluated: 2024-12-03. Review status: criteria provided, single submitter. Criteria: LabCorp Variant Classification Summary - May 2015. Collection method: clinical testing. Allele origin: germline. Not counted in ClinVar's aggregate classification.
Comment: Variant summary: BRCA2 c.2339C>G (p.Ser780X) results in a premature termination codon, predicted to cause a truncation of the encoded protein or absence of the protein due to nonsense mediated decay, which are commonly known mechanisms for disease. The variant allele was found at a frequency of 4e-06 in 250872 control chromosomes. c.2339C>G has been reported in the literature in individuals affected with Hereditary Breast And Ovarian Cancer Syndrome (e.g. Konstantopoulou_2014, Couch_2016, Kwong_2016, Chao_2016). These data indicate that the variant is very likely to be associated with disease. The following publications have been ascertained in the context of this evaluation (PMID: 24010542, 25452441, 27157322, 27907908, 29335925, 29446198, 30702160). ClinVar contains an entry for this variant (Variation ID: 141070). Based on the evidence outlined above, the variant was classified as pathogenic.

Color Diagnostics, LLC DBA Color Health
Classification: Pathogenic for Hereditary cancer-predisposing syndrome. Last evaluated: 2023-07-17. Review status: criteria provided, single submitter. Criteria: ACMG Guidelines, 2015. Collection method: clinical testing. Allele origin: germline. Not counted in ClinVar's aggregate classification.
Comment: This variant changes 1 nucleotide in exon 11 of the BRCA2 gene, creating a premature translation stop signal. This variant is expected to result in an absent or non-functional protein product. This variant has been identified in 1/250872 chromosomes in the general population by the Genome Aggregation Database (gnomAD). Loss of BRCA2 function is a known mechanism of disease. Based on the available evidence, this variant is classified as Pathogenic.

Baylor Genetics
Classification: Pathogenic for Familial cancer of breast. Last evaluated: 2021-12-16. Review status: criteria provided, single submitter. Criteria: ACMG Guidelines, 2015. Collection method: clinical testing. Allele origin: unknown. Not counted in ClinVar's aggregate classification.

Sema4
Classification: Pathogenic for Hereditary cancer-predisposing syndrome. Last evaluated: 2021-10-22. Review status: criteria provided, single submitter. Criteria: Sema4 Curation Guidelines. Collection method: curation. Allele origin: germline. Not counted in ClinVar's aggregate classification.
Comment: The BRCA2 c.2339C>G (p.S780*) variant has been reported in heterozygosity in individuals with hereditary breast and/or ovarian cancer (PMID: 24010542, 25452441, 27157322, 29335925, 33471991). This nonsense variant creates a premature stop codon at residue 780 of the BRCA2 protein. Loss of function variants of BRCA2 are known to be pathogenic (PMID: 29446198). This variant was observed in 1/18388 chromosomes in the East Asian population according to the Genome Aggregation Database (PMID: 32461654). This variant has been reported in ClinVar (Variation ID: 141070). Based on the current evidence available, this variant is interpreted as pathogenic.

Genetic Services Laboratory, University of Chicago
Classification: Pathogenic. Last evaluated: 2021-06-28. Review status: criteria provided, single submitter. Criteria: ACMG Guidelines, 2015. Collection method: clinical testing. Allele origin: germline. Affected: yes. Not counted in ClinVar's aggregate classification.
Comment: DNA sequence analysis of the BRCA2 gene demonstrated a sequence change, c.2339C>G, which results in the creation of a premature stop codon at amino acid position 780, p.Ser780*. This pathogenic sequence change is predicted to result in an abnormal transcript, which may be degraded, or may lead to the production of a truncated BRCA2 protein with potentially abnormal function. This pathogenic sequence change has previously been described in individuals with pancreatic cancer, male breast cancer, and individuals with a personal and/or family history of breast and ovarian cancer (PMID: 24010542, 29335925, 27157322, 29446198, 30702160, 25452441). The p.Ser880* pathogenic sequence change is present in the heterozygous state in a single individual in the gnomAD population database (dbSNP rs587781471). This variant has been classified as pathogenic by the expert panel for BRCA1/2 variants in ClinVar.

GeneKor MSA
Classification: Pathogenic. Last evaluated: 2020-01-01. Review status: criteria provided, single submitter. Criteria: ACMG Guidelines, 2015. Collection method: clinical testing. Allele origin: germline. Not counted in ClinVar's aggregate classification.
Comment: This variant is a substitution of one nucleotide base resulting in a single amino acid change from Serine to a termination codon at amino acid residue 780 of the BRCA2 gene. It results in a truncated non-functional protein. This variant has been reported in the international literature in patients with breast and/or ovarian cancer (PMID: 24010542, 27157322). The mutation database ClinVar contains entries for this variant (Variation ID: 141070).

NM_000059.4(BRCA2):c.2339C>G (p.Ser780Ter)

Gene: BRCA2 (BRCA2 DNA repair associated; plus strand). Cytogenetic location: 13q13.1.
Variant type: single nucleotide variant.
Coding change: c.2339C>G on transcript NM_000059.4 (MANE Select); coding-DNA position 2339, C replaced by G.
Protein change: p.Ser780Ter; replaces serine 780 with a stop codon.
Molecular consequence: nonsense.
Genome position (GRCh38, 1-based): chr13:32,336,694, C>G. VCF-style: chr13-32336694-C-G. GRCh37 (hg19) VCF-style: chr13-32910831-C-G.
Other names: short protein forms S780*.
Identifiers: ClinVar variation 141070 (VCV000141070.37), dbSNP rs587781471, ClinGen allele CA014999.